The following is an entry in ClinVar:

NC_000006.11:g.(?_135679250)_(135813375_?)dup

Gene: AHI1 (Abelson helper integration site 1; minus strand). Cytogenetic location: 6q23.3.
Variant type: Duplication.
Identifiers: ClinVar variation 1412072 (VCV001412072.6).

ClinVar aggregate classification (germline): Uncertain significance (1 of 4 stars; one submission).

Conditions:
Joubert syndrome. Also called: CEREBELLOPARENCHYMAL DISORDER IV; JOUBERT-BOLTSHAUSER SYNDROME; Familial aplasia of the vermis. Identifiers: Orphanet 475, MedGen C5979921, MONDO:0018772.

Submission:

Labcorp Genetics (formerly Invitae), Labcorp
Classification: Uncertain significance for Joubert syndrome. Last evaluated: 2022-10-13. Review status: criteria provided, single submitter. Criteria: Invitae Variant Classification Sherloc (09022015). Collection method: clinical testing. Allele origin: germline.
Comment: This variant results in a copy number gain of the genomic region encompassing exon(s) 3-23 of the AHI1 gene. This region includes the initiator codon of the gene. This copy number gain extends beyond the assayed region for this gene and therefore may encompass additional genes. As the precise location of this event is unknown, it may be in tandem or it may be located elsewhere in the genome. This variant has not been reported in the literature in individuals affected with AHI1-related conditions. Experimental studies and prediction algorithms are not available or were not evaluated, and the functional significance of this variant is currently unknown. In summary, the available evidence is currently insufficient to determine the role of this variant in disease. Therefore, it has been classified as a Variant of Uncertain Significance.